The following is an entry in ClinVar:

ClinVar aggregate classification (germline): Uncertain significance (1 of 4 stars; one submission).

Conditions:
Charcot-Marie-Tooth disease axonal type 2L. Also called: CHARCOT-MARIE-TOOTH DISEASE, AXONAL, AUTOSOMAL DOMINANT, TYPE 2L; CHARCOT-MARIE-TOOTH NEUROPATHY, AXONAL, TYPE 2L; Charcot-Marie-Tooth Neuropathy Type 2L. Identifiers: Orphanet 99945, MedGen C1837552, MONDO:0012096, OMIM 608673.

Submission:

Labcorp Genetics (formerly Invitae), Labcorp
Classification: Uncertain significance for Charcot-Marie-Tooth disease axonal type 2L. Last evaluated: 2025-02-17. Review status: criteria provided, single submitter. Criteria: Invitae Variant Classification Sherloc (09022015). Collection method: clinical testing. Allele origin: germline.
Comment: This sequence change replaces valine, which is neutral and non-polar, with methionine, which is neutral and non-polar, at codon 100 of the HSPB8 protein (p.Val100Met). This variant is not present in population databases (gnomAD no frequency). This variant has not been reported in the literature in individuals affected with HSPB8-related conditions. An algorithm developed to predict the effect of missense changes on protein structure and function (PolyPhen-2) suggests that this variant is likely to be disruptive. In summary, the available evidence is currently insufficient to determine the role of this variant in disease. Therefore, it has been classified as a Variant of Uncertain Significance.

NM_014365.3(HSPB8):c.298G>A (p.Val100Met)

Gene: HSPB8 (heat shock protein family B (small) member 8; plus strand). Cytogenetic location: 12q24.23.
Variant type: single nucleotide variant.
Coding change: c.298G>A on transcript NM_014365.3 (MANE Select); coding-DNA position 298, G replaced by A.
Protein change: p.Val100Met; replaces valine 100 with methionine.
Molecular consequence: missense variant.
Genome position (GRCh38, 1-based): chr12:119,179,610, G>A. VCF-style: chr12-119179610-G-A. GRCh37 (hg19) VCF-style: chr12-119617415-G-A.
Other names: short protein forms V100M.
Identifiers: ClinVar variation 4778088 (VCV004778088.1).
Genomic context (GRCh38, chr12:119,179,610, plus strand): 5'-GGGGTGCCTGCCGAGGGCAGGACCCCCCCACCCTTCCCTGGGGAGCCCTGGAAAGTGTGT[G>A]TGAATGTGCACAGCTTCAAGCCAGAGGAGTTGATGGTGAAGACCAAAGATGGATACGTGG-3'
Protein context (NP_055180.1, residues 90-110): PFPGEPWKVC[Val100Met]NVHSFKPEEL